The following is an entry in ClinVar:

NM_001382391.1(CSPP1):c.2282_2283del (p.Arg761fs)

Gene: CSPP1 (centrosome and spindle pole associated protein 1; plus strand). Cytogenetic location: 8q13.2.
Variant type: Microsatellite.
Coding change: c.2282_2283del on transcript NM_001382391.1 (MANE Select); coding-DNA positions 2282 to 2283, 2 bases deleted (GA; older notation c.2282_2283delGA).
Protein change: p.Arg761fs; shifts the reading frame from arginine 761.
Molecular consequence: frameshift variant.
Genome position (GRCh38, 1-based): chr8:67,158,487-67,158,488, GA deleted; deleting any 2 consecutive bases within chr8:67,158,481-67,158,488 gives the same sequence; the c. name uses the placement nearest the transcript's 3' end. VCF-style (leftmost placement, unchanged base first): chr8-67158480-CGA-C. GRCh37 (hg19) VCF-style: chr8-68070715-CGA-C.
Other names: c.1232_1233del, p.Arg411fs (NM_001291339.2); c.2201_2202del, p.Arg734fs (NM_001363131.2); c.2087_2088del, p.Arg696fs (NM_001363132.2); c.2006_2007del, p.Arg669fs (NM_001363133.2); c.2348_2349del, p.Arg783fs (NM_001364869.1); c.2168_2169del, p.Arg723fs (NM_001364870.1); c.2261_2262GA[3], p.Arg756Thrfs (NM_024790.7); short protein forms R756fs, R761fs, R696fs, R783fs, R669fs, R723fs, R411fs, R734fs.
Identifiers: ClinVar variation 2768790 (VCV002768790.3), dbSNP rs2489679993, ClinGen allele CA2697549952.

ClinVar aggregate classification (germline): Pathogenic (1 of 4 stars; one submission).

Conditions:
Joubert syndrome 21 (JBTS21). Identifiers: MedGen C3810212, MONDO:0014288, OMIM 615636.

Submission:

Labcorp Genetics (formerly Invitae), Labcorp
Classification: Pathogenic for Joubert syndrome 21. Last evaluated: 2023-10-18. Review status: criteria provided, single submitter. Criteria: Invitae Variant Classification Sherloc (09022015). Collection method: clinical testing. Allele origin: germline.
Comment: This sequence change creates a premature translational stop signal (p.Arg756Thrfs*24) in the CSPP1 gene. It is expected to result in an absent or disrupted protein product. Loss-of-function variants in CSPP1 are known to be pathogenic (PMID: 24360807, 24360808). This variant is not present in population databases (gnomAD no frequency). This variant has not been reported in the literature in individuals affected with CSPP1-related conditions. For these reasons, this variant has been classified as Pathogenic.

Literature cited by the submitters: PubMed 24360807; PubMed 24360808.